The following is an entry in ClinVar:

ClinVar aggregate classification (germline): Uncertain significance (1 of 4 stars; one submission).

Allele frequency attached by ClinVar (database versions not stated): ExAC 0.00002; TOPMed 0.00002; gnomAD 0.00003; gnomAD exomes 0.00003; ESP Exome Variant Server 0.00015.
gnomAD v4.1: 98 of 1,614,076 alleles (0.0061%); highest among the groups gnomAD compares: Non-Finnish European, 0.0077%; no homozygotes.

Submission:

Labcorp Genetics (formerly Invitae), Labcorp
Classification: Uncertain significance. Last evaluated: 2022-08-20. Review status: criteria provided, single submitter. Criteria: Invitae Variant Classification Sherloc (09022015). Collection method: clinical testing. Allele origin: germline.
Comment: This sequence change replaces valine, which is neutral and non-polar, with leucine, which is neutral and non-polar, at codon 154 of the PLAA protein (p.Val154Leu). This variant is present in population databases (rs373054455, gnomAD 0.005%). This variant has not been reported in the literature in individuals affected with PLAA-related conditions. ClinVar contains an entry for this variant (Variation ID: 1435719). Algorithms developed to predict the effect of missense changes on protein structure and function are either unavailable or do not agree on the potential impact of this missense change (SIFT: "Deleterious"; PolyPhen-2: "Possibly Damaging"; Align-GVGD: "Class C0"). In summary, the available evidence is currently insufficient to determine the role of this variant in disease. Therefore, it has been classified as a Variant of Uncertain Significance.

NM_001031689.3(PLAA):c.460G>T (p.Val154Leu)

Gene: PLAA (phospholipase A2 activating protein; minus strand). Cytogenetic location: 9p21.2.
Variant type: single nucleotide variant.
Coding change: c.460G>T on transcript NM_001031689.3 (MANE Select); coding-DNA position 460, G replaced by T.
Protein change: p.Val154Leu; replaces valine 154 with leucine.
Molecular consequence: missense variant.
Genome position (GRCh38, 1-based): chr9:26,928,205, C>A on the plus strand (G>T on the coding strand, the complement: PLAA is on the minus strand). VCF-style: chr9-26928205-C-A. GRCh37 (hg19) VCF-style: chr9-26928203-C-A.
Other names: c.460G>T, p.Val154Leu (NM_001321546.2); short protein forms V154L.
Identifiers: ClinVar variation 1435719 (VCV001435719.5), dbSNP rs373054455, ClinGen allele CA5014620.